The following is an entry in ClinVar:

ClinVar aggregate classification (germline): Likely benign. Review status: criteria provided, multiple submitters, no conflicts (2 of 4 stars). 2 submissions from 2 submitters: Likely benign (2). Last evaluated 2025-09-22.

Allele frequency attached by ClinVar (database versions not stated): 1000 Genomes Project 30x 0.00016; 1000 Genomes Project 0.00020; ESP Exome Variant Server 0.00023.
gnomAD v4.1: 211 of 1,614,134 alleles (0.013%); highest among the groups gnomAD compares: Admixed American, 0.12%; no homozygotes.

Submissions (3):

Labcorp Genetics (formerly Invitae), Labcorp
Classification: Likely benign. Last evaluated: 2025-09-22. Review status: criteria provided, single submitter. Criteria: Invitae Variant Classification Sherloc (09022015). Collection method: clinical testing. Allele origin: germline.

CeGaT Center for Human Genetics Tuebingen
Classification: Likely benign. Last evaluated: 2025-05-01. Review status: criteria provided, single submitter. Criteria: CeGaT Center For Human Genetics Tuebingen Variant Classification Criteria Version 2. Collection method: clinical testing. Allele origin: germline. Affected: yes. Observed: 1 variant allele.
Comment: NSD2: BS1

Dr. Peter K. Rogan Lab, Western University
No classification provided (evidence only). Condition: Clear cell carcinoma of kidney. Review status: no classification provided. Collection method: in vitro. Allele origin: not applicable. Functional consequence: retained intron. Not counted in ClinVar's aggregate classification.

NM_001042424.3(NSD2):c.3519G>A (p.Thr1173=)

Gene: NSD2 (nuclear receptor binding SET domain protein 2; plus strand). Cytogenetic location: 4p16.3.
Variant type: single nucleotide variant.
Coding change: c.3519G>A on transcript NM_001042424.3 (MANE Select); coding-DNA position 3519, G replaced by A.
Protein change: p.Thr1173=; no amino-acid change (threonine 1173 retained).
Molecular consequence: synonymous variant.
Genome position (GRCh38, 1-based): chr4:1,975,298, G>A. VCF-style: chr4-1975298-G-A. GRCh37 (hg19) VCF-style: chr4-1977025-G-A.
Other names: c.3519G>A, p.Thr1173= (NM_133330.3, NM_133331.3, NM_133335.4).
Identifiers: ClinVar variation 1680214 (VCV001680214.19), dbSNP rs200130380, ClinGen allele CA2812809.
Genomic context (GRCh38, chr4:1,975,298, plus strand): 5'-CTTTTGAAGAGAAAGGCAGGTGTTTCCAATTTGGTGTCTGTCTCCTCTTCTCCCAGGGAC[G>A]GAGCTGACTTTTAACTACAACCTCGATTGTCTGGGCAATGAAAAAACGGTCTGCCGGTGT-3'
Protein context (NP_001035889.1, residues 1163-1183): LFAVCDIPAG[Thr1173=]ELTFNYNLDC